The following is an entry in ClinVar:

ClinVar aggregate classification (germline): Uncertain significance (1 of 4 stars; one submission).

Conditions:
Muscular dystrophy-dystroglycanopathy (congenital with brain and eye anomalies), type A9. Also called: WALKER-WARBURG SYNDROME OR MUSCLE-EYE BRAIN DISEASE, DAG1-RELATED; Muscular dystrophy-dystroglycanopathy (congenital with brain and eye anomalies), type a, 9. Identifiers: Orphanet 370997, Orphanet 899, MedGen C4225291, MONDO:0014683, OMIM 616538.
Autosomal recessive limb-girdle muscular dystrophy type 2P. Also called: MUSCULAR DYSTROPHY-DYSTROGLYCANOPATHY, LIMB-GIRDLE, DAG1-RELATED; MUSCULAR DYSTROPHY, LIMB-GIRDLE, TYPE 2P; Limb-Girdle Muscular Dystrophy Type 9C. Identifiers: Orphanet 280333, MedGen C4511963, MONDO:0013440, OMIM 613818.

Submission:

Labcorp Genetics (formerly Invitae), Labcorp
Classification: Uncertain significance for Autosomal recessive limb-girdle muscular dystrophy type 2P; Muscular dystrophy-dystroglycanopathy (congenital with brain and eye anomalies), type A9. Last evaluated: 2022-01-26. Review status: criteria provided, single submitter. Criteria: Invitae Variant Classification Sherloc (09022015). Collection method: clinical testing. Allele origin: germline.
Comment: This sequence change replaces glycine, which is neutral and non-polar, with arginine, which is basic and polar, at codon 547 of the DAG1 protein (p.Gly547Arg). This variant is not present in population databases (gnomAD no frequency). This variant has not been reported in the literature in individuals affected with DAG1-related conditions. Algorithms developed to predict the effect of missense changes on protein structure and function are either unavailable or do not agree on the potential impact of this missense change (SIFT: "Deleterious"; PolyPhen-2: "Possibly Damaging"; Align-GVGD: "Class C0"). In summary, the available evidence is currently insufficient to determine the role of this variant in disease. Therefore, it has been classified as a Variant of Uncertain Significance.

NM_004393.6(DAG1):c.1639G>C (p.Gly547Arg)

Gene: DAG1 (dystroglycan 1; plus strand). Cytogenetic location: 3p21.31.
Variant type: single nucleotide variant.
Coding change: c.1639G>C on transcript NM_004393.6 (MANE Select); coding-DNA position 1639, G replaced by C.
Protein change: p.Gly547Arg; replaces glycine 547 with arginine.
Molecular consequence: missense variant.
Genome position (GRCh38, 1-based): chr3:49,532,150, G>C. VCF-style: chr3-49532150-G-C. GRCh37 (hg19) VCF-style: chr3-49569583-G-C.
Other names: c.1639G>C, p.Gly547Arg (NM_001165928.4, NM_001177634.3, NM_001177635.3 and 9 more transcripts); short protein forms G547R.
Identifiers: ClinVar variation 1929082 (VCV001929082.5), dbSNP rs1008143167, ClinGen allele CA352795815.